The following is an entry in ClinVar:

ClinVar aggregate classification (germline): Uncertain significance. Review status: criteria provided, multiple submitters, no conflicts (2 of 4 stars). 2 submissions from 2 submitters: Uncertain significance (2). Last evaluated 2026-03-11.

Conditions:
Familial thoracic aortic aneurysm and aortic dissection (TAAD). Also called: Thoracic aortic aneurysms and dissections. Identifiers: Orphanet 91387, MedGen C4707243, MONDO:0019625.
Shprintzen-Goldberg syndrome (SGS). Also called: SHPRINTZEN-GOLDBERG CRANIOSYNOSTOSIS SYNDROME; CRANIOSYNOSTOSIS WITH ARACHNODACTYLY AND ABDOMINAL HERNIAS; Marfanoid disorder with craniosynostosis type 1; Marfanoid craniosynostosis syndrome; Shprintzen-Goldberg marfanoid syndrome. Identifiers: Orphanet 2462, MedGen C1321551, MONDO:0008426, OMIM 182212.

Allele frequency attached by ClinVar (database versions not stated): TOPMed 0.00001; gnomAD exomes 0.00001; gnomAD 0.00001.
gnomAD v4.1: 9 of 1,553,296 alleles (0.00058%); highest among the groups gnomAD compares: South Asian, 0.0012%; no homozygotes.

Submissions (2):

Ambry Genetics
Classification: Uncertain significance for Familial thoracic aortic aneurysm and aortic dissection. Last evaluated: 2026-03-11. Review status: criteria provided, single submitter. Criteria: Ambry Variant Classification Scheme 2023. Collection method: clinical testing. Allele origin: germline.
Comment: The p.A530V variant (also known as c.1589C>T), located in coding exon 5 of the SKI gene, results from a C to T substitution at nucleotide position 1589. The alanine at codon 530 is replaced by valine, an amino acid with similar properties. This amino acid position is conserved. In addition, this alteration is predicted to be tolerated by in silico analysis. Based on the available evidence, the clinical significance of this variant remains unclear.

Labcorp Genetics (formerly Invitae), Labcorp
Classification: Uncertain significance for Shprintzen-Goldberg syndrome. Last evaluated: 2023-12-20. Review status: criteria provided, single submitter. Criteria: Invitae Variant Classification Sherloc (09022015). Collection method: clinical testing. Allele origin: germline.
Comment: This sequence change replaces alanine, which is neutral and non-polar, with valine, which is neutral and non-polar, at codon 530 of the SKI protein (p.Ala530Val). This variant is present in population databases (no rsID available, gnomAD 0.001%). This variant has not been reported in the literature in individuals affected with SKI-related conditions. ClinVar contains an entry for this variant (Variation ID: 2402191). Advanced modeling of protein sequence and biophysical properties (such as structural, functional, and spatial information, amino acid conservation, physicochemical variation, residue mobility, and thermodynamic stability) performed at Invitae indicates that this missense variant is not expected to disrupt SKI protein function with a negative predictive value of 95%. In summary, the available evidence is currently insufficient to determine the role of this variant in disease. Therefore, it has been classified as a Variant of Uncertain Significance.

NM_003036.4(SKI):c.1589C>T (p.Ala530Val)

Gene: SKI (SKI proto-oncogene; plus strand). Cytogenetic location: 1p36.32.
Variant type: single nucleotide variant.
Coding change: c.1589C>T on transcript NM_003036.4 (MANE Select); coding-DNA position 1589, C replaced by T.
Protein change: p.Ala530Val; replaces alanine 530 with valine.
Molecular consequence: missense variant.
Genome position (GRCh38, 1-based): chr1:2,304,407, C>T. VCF-style: chr1-2304407-C-T. GRCh37 (hg19) VCF-style: chr1-2235846-C-T.
Other names: short protein forms A530V.
Identifiers: ClinVar variation 2402191 (VCV002402191.6), dbSNP rs1202147041, ClinGen allele CA337957343.